The following continues an entry in ClinVar:

NM_020975.6(RET):c.1894G>A (p.Glu632Lys)

Gene: RET. ClinVar aggregate classification (germline): Conflicting classifications of pathogenicity. Uncertain significance (14); Likely benign (2).

Submissions 15 to 18 of 18:

ARUP Laboratories, Molecular Genetics and Genomics, ARUP Laboratories
Classification: Uncertain significance. Last evaluated: 2019-11-15. Review status: criteria provided, single submitter. Criteria: ARUP Molecular Germline Variant Investigation Process. Collection method: clinical testing. Allele origin: germline.
Comment: The RET c.1894G>A; p.Glu632Lys variant has been described in individuals affected with medullary thyroid cancer (MTC), Hirschsprung's disease, or pheochromocytoma (Carter 2012, Frank-Raue 2007, Han 2006, Romei 2015). It is reported as a variant of uncertain significance multiple times in ClinVar (Variation ID: 24920), and is observed in the general population at an overall frequency of 0.01% (24/247226 alleles) in the Genome Aggregation Database. The glutamic acid at codon 632 is moderately conserved across species and computational algorithms (PolyPhen2, SIFT) predict this variant is tolerated. Due to limited information, the clinical significance of this variant cannot be determined with certainty. REFERENCES Carter TC et al. Hirschsprung's disease and variants in genes that regulate enteric neural crest cell proliferation, migration and differentiation. J Hum Genet. 2012 Aug;57(8):485-93. Frank-Raue K et al. Change in the spectrum of RET mutations diagnosed between 1994 and 2006. Clin Lab. 2007;53(5-6):273-82. Han ZY et al. Mutation screening of RET proto-oncogene in Chinese sporadic patients with pheochromocytoma. Zhonghua Yi Xue Yi Chuan Xue Za Zhi. 2006 Jun;23(3):320-2. Romei C et al. Twenty years of lesson learning: how does the RET genetic screening test impact the clinical management of medullary thyroid cancer? Clin Endocrinol (Oxf). 2015 Jun;82(6):892-9.

GeneKor MSA
Classification: Uncertain significance for Hereditary cancer-predisposing syndrome. Last evaluated: 2018-08-01. Review status: criteria provided, single submitter. Criteria: ACMG Guidelines, 2015. Collection method: clinical testing. Allele origin: germline. Affected: yes.

Counsyl
Classification: Uncertain significance for Multiple endocrine neoplasia type 2B. Last evaluated: 2015-12-14. Review status: no assertion criteria provided. Collection method: clinical testing. Allele origin: unknown. Not counted in ClinVar's aggregate classification.

Counsyl
Classification: Uncertain significance for Multiple endocrine neoplasia type 2A. Last evaluated: 2015-12-14. Review status: no assertion criteria provided. Collection method: clinical testing. Allele origin: unknown. Not counted in ClinVar's aggregate classification.

Literature cited by the submitters: PubMed 17605401 (cited by Labcorp Genetics (formerly Invitae), Labcorp and Quest Diagnostics Nichols Institute San Juan Capistrano); PubMed 22648184 (cited by 4 submitters); PubMed 25440022 (cited by 4 submitters); PubMed 30217742 (cited by 4 submitters); PubMed 31510104 (cited by 4 submitters); PubMed 32179705 (cited by Quest Diagnostics Nichols Institute San Juan Capistrano); PubMed 31159747 (cited by Quest Diagnostics Nichols Institute San Juan Capistrano and Ambry Genetics); PubMed 34570441 (cited by Quest Diagnostics Nichols Institute San Juan Capistrano); PubMed 34169762 (cited by Quest Diagnostics Nichols Institute San Juan Capistrano); PubMed 32561571 (cited by Quest Diagnostics Nichols Institute San Juan Capistrano); PubMed 38606821 (cited by Quest Diagnostics Nichols Institute San Juan Capistrano); PubMed 27626519 (cited by Quest Diagnostics Nichols Institute San Juan Capistrano); PubMed 37017066 (cited by Quest Diagnostics Nichols Institute San Juan Capistrano); PubMed 30446652 (cited by Quest Diagnostics Nichols Institute San Juan Capistrano); PubMed 30139385 (cited by Quest Diagnostics Nichols Institute San Juan Capistrano); PubMed 16767674 (cited by 3 submitters); PubMed 21479187 (cited by 3 submitters); PubMed 26497911 (cited by Color Diagnostics, LLC DBA Color Health); PubMed 21810974 (cited by Ambry Genetics).